The following is an entry in ClinVar:

NM_000441.2(SLC26A4):c.234C>G (p.Tyr78Ter)

Gene: SLC26A4 (solute carrier family 26 member 4; plus strand). Cytogenetic location: 7q22.3.
Variant type: single nucleotide variant.
Coding change: c.234C>G on transcript NM_000441.2 (MANE Select); coding-DNA position 234, C replaced by G.
Protein change: p.Tyr78Ter; replaces tyrosine 78 with a stop codon.
Molecular consequence: nonsense.
Genome position (GRCh38, 1-based): chr7:107,663,365, C>G. VCF-style: chr7-107663365-C-G. GRCh37 (hg19) VCF-style: chr7-107303810-C-G.
Other names: short protein forms Y78*.
Identifiers: ClinVar variation 3601768 (VCV003601768.1).
Genomic context (GRCh38, chr7:107,663,365, plus strand): 5'-AAAGAGAGCCTTTGGTGTGCTAAAGACTCTTGTGCCCATCTTGGAGTGGCTCCCCAAATA[C>G]CGAGTCAAGGAATGGCTGCTTAGTGACGTCATTTCGGGAGTTAGTACTGGGCTAGTGGCC-3'

ClinVar aggregate classification (germline): Pathogenic (1 of 4 stars; one submission).

Conditions:
Autosomal recessive nonsyndromic hearing loss 4 (DFNB4). Also called: Deafness, autosomal recessive 4; FOXI1-Related Pendred Syndrome; KCNJ10-Related Pendred Syndrome; DEAFNESS, AUTOSOMAL RECESSIVE 4, WITH ENLARGED VESTIBULAR AQUEDUCT, DIGENIC; NEUROSENSORY NONSYNDROMIC RECESSIVE DEAFNESS 4; Nonsyndromic enlarged vestibular aqueduct (NSEVA). Identifiers: Orphanet 90636, MedGen C3538946, MONDO:0010933, OMIM 600791.

Submission:

Institute of Rare Diseases, West China Hospital, Sichuan University
Classification: Pathogenic for Autosomal recessive nonsyndromic hearing loss 4. Last evaluated: 2025-01-09. Review status: criteria provided, single submitter. Criteria: ClinGen HL ACMG Specifications v1. Collection method: research. Allele origin: germline. Affected: yes.
Comment: PVS1;PM3;PP4;PM2_Supporting